The following is an entry in ClinVar:

ClinVar aggregate classification (germline): Pathogenic (1 of 4 stars; one submission).

Conditions:
Charlevoix-Saguenay spastic ataxia (SACS). Also called: AUTOSOMAL RECESSIVE SPASTIC ATAXIA OF CHARLEVOIX-SAGUENAY; Spastic ataxia of Charlevoix-Saguenay; SPASTIC ATAXIA 6, AUTOSOMAL RECESSIVE. Identifiers: Orphanet 98, MedGen C1849140, MONDO:0010041, OMIM 270550.

Submission:

Myriad Genetics, Inc.
Classification: Pathogenic for Charlevoix-Saguenay spastic ataxia. Last evaluated: 2023-12-22. Review status: criteria provided, single submitter. Criteria: Myriad Autosomal Dominant, Autosomal Recessive and X-Linked Classification Criteria (2023). Collection method: clinical testing. Allele origin: unknown.
Comment: NM_014363.4(SACS):c.1255delA(I419Sfs*4) is expected to be pathogenic in the context of autosomal recessive spastic ataxia of Charlevoix-Saguenay. This variant is predicted to lead to an abnormal or absent protein product due to the creation of a premature termination codon in SACS, a gene where loss-of-function variants are known to be pathogenic. Please note: this variant was assessed in the context of healthy population screening.

NM_014363.6(SACS):c.1255del (p.Ile419fs)

Gene: SACS (sacsin molecular chaperone; minus strand). Cytogenetic location: 13q12.12.
Variant type: Deletion.
Coding change: c.1255del on transcript NM_014363.6 (MANE Select); coding-DNA position 1255, one base deleted (A; older notation c.1255delA).
Protein change: p.Ile419fs; shifts the reading frame from isoleucine 419.
Molecular consequence: frameshift variant.
Genome position (GRCh38, 1-based): chr13:23,355,357, T deleted on the plus strand (A on the coding strand, the reverse complement: SACS is on the minus strand); the first of 2 consecutive T bases (chr13:23,355,357-23,355,358); deleting either gives the same sequence. VCF-style (leftmost placement, unchanged base first): chr13-23355356-AT-A. GRCh37 (hg19) VCF-style: chr13-23929495-AT-A.
Other names: c.814del, p.Ile272fs (NM_001278055.2); c.1255del, p.Ile419fs (NM_001437336.1); short protein forms I272fs, I419fs.
Identifiers: ClinVar variation 5012599 (VCV005012599.1).